The following is an entry in ClinVar:

ClinVar aggregate classification (germline): Uncertain significance (1 of 4 stars; one submission).

Allele frequency attached by ClinVar (database versions not stated): gnomAD exomes below 0.00001.

Submission:

GeneDx
Classification: Uncertain significance. Last evaluated: 2022-12-21. Review status: criteria provided, single submitter. Criteria: GeneDx Variant Classification Process June 2021. Collection method: clinical testing. Allele origin: germline. Affected: yes.
Comment: Not observed at significant frequency in large population cohorts (gnomAD); In silico analysis supports that this missense variant has a deleterious effect on protein structure/function; Has not been previously published as pathogenic or benign to our knowledge

NM_000340.2(SLC2A2):c.980C>T (p.Thr327Ile)

Gene: SLC2A2 (solute carrier family 2 member 2; minus strand). Cytogenetic location: 3q26.2.
Variant type: single nucleotide variant.
Coding change: c.980C>T on transcript NM_000340.2 (MANE Select); coding-DNA position 980, C replaced by T.
Protein change: p.Thr327Ile; replaces threonine 327 with isoleucine.
Molecular consequence: missense variant.
Genome position (GRCh38, 1-based): chr3:171,002,664, G>A on the plus strand (C>T on the coding strand, the complement: SLC2A2 is on the minus strand). VCF-style: chr3-171002664-G-A. GRCh37 (hg19) VCF-style: chr3-170720453-G-A.
Other names: c.623C>T, p.Thr208Ile (NM_001278658.2); c.461C>T, p.Thr154Ile (NM_001278659.2); short protein forms T154I, T208I, T327I.
Identifiers: ClinVar variation 2506709 (VCV002506709.1), dbSNP rs2473890005, ClinGen allele CA355487874.